The following is an entry in ClinVar:

NM_007374.3(SIX6):c.737T>A (p.Ile246Asn)

Genes: C14orf39 (chromosome 14 open reading frame 39; minus strand), SIX6 (SIX homeobox 6; plus strand). Cytogenetic location: 14q23.1.
Variant type: single nucleotide variant.
Coding change: c.737T>A on transcript NM_007374.3 (MANE Select); coding-DNA position 737, T replaced by A.
Protein change: p.Ile246Asn; replaces isoleucine 246 with asparagine.
Molecular consequence: missense variant.
Genome position (GRCh38, 1-based): chr14:60,511,248, T>A. VCF-style: chr14-60511248-T-A. GRCh37 (hg19) VCF-style: chr14-60977966-T-A.
Other names: short protein forms I246N.
Identifiers: ClinVar variation 767177 (VCV000767177.12), dbSNP rs114981075, ClinGen allele CA7212673.

ClinVar aggregate classification (germline): Likely benign. Review status: criteria provided, single submitter (1 of 4 stars). 2 submissions from 2 submitters: Likely benign (1). 1 of the submissions does not count toward it. Last evaluated 2025-12-03.

Conditions:
SIX6-related disorder. Also called: SIX6-related condition.

Allele frequency attached by ClinVar (database versions not stated): ESP Exome Variant Server 0.00131; gnomAD 0.00150 and 0.00161; 1000 Genomes Project 0.00160; 1000 Genomes Project 30x 0.00203; TOPMed 0.00161; ExAC 0.00051.
gnomAD v4.1: 401 of 1,613,420 alleles (0.025%); highest among the groups gnomAD compares: African/African-American, 0.48%; 1 homozygote.

Submissions (2):

Labcorp Genetics (formerly Invitae), Labcorp
Classification: Likely benign. Last evaluated: 2025-12-03. Review status: criteria provided, single submitter. Criteria: Invitae Variant Classification Sherloc (09022015). Collection method: clinical testing. Allele origin: germline.

PreventionGenetics, part of Exact Sciences
Classification: Likely benign for SIX6-related condition. Last evaluated: 2019-05-02. Review status: no assertion criteria provided. Collection method: clinical testing. Allele origin: germline. Not counted in ClinVar's aggregate classification.
Comment: This variant is classified as likely benign based on ACMG/AMP sequence variant interpretation guidelines (Richards et al. 2015 PMID: 25741868, with internal and published modifications).